The following is an entry in ClinVar:

ClinVar aggregate classification (germline): Benign/Likely benign. Review status: criteria provided, multiple submitters, no conflicts (2 of 4 stars). 5 submissions from 5 submitters: Benign (1); Likely benign (2). 2 of the submissions do not count toward it. Last evaluated 2026-01-19.

Conditions:
CNGA1-related disorder. Also called: CNGA1-related condition.

Allele frequency attached by ClinVar (database versions not stated): gnomAD 0.00002 and 0.00007; TOPMed 0.00004; 1000 Genomes Project 0.00020; 1000 Genomes Project 30x 0.00031; ExAC 0.00032.
gnomAD v4.1: 264 of 1,614,232 alleles (0.016%); highest among the groups gnomAD compares: South Asian, 0.27%; 2 homozygotes.

Submissions (5):

Labcorp Genetics (formerly Invitae), Labcorp
Classification: Benign. Last evaluated: 2026-01-19. Review status: criteria provided, single submitter. Criteria: Invitae Variant Classification Sherloc (09022015). Collection method: clinical testing. Allele origin: germline.

PreventionGenetics, part of Exact Sciences
Classification: Likely benign for CNGA1-related condition. Last evaluated: 2025-04-19. Review status: criteria provided, single submitter. Criteria: ACMG Guidelines, 2015. Collection method: clinical testing. Allele origin: germline.
Comment: This variant is classified as likely benign based on ACMG/AMP sequence variant interpretation guidelines (Richards et al. 2015 PMID: 25741868, with internal and published modifications).

Blueprint Genetics
Classification: Likely benign. Last evaluated: 2024-10-28. Review status: criteria provided, single submitter. Criteria: ACMG Guidelines, 2015. Collection method: clinical testing. Allele origin: germline.

Clinical Genetics DNA and cytogenetics Diagnostics Lab, Erasmus MC, Erasmus Medical Center
Classification: Uncertain significance. Review status: no assertion criteria provided. Collection method: clinical testing. Allele origin: germline. Affected: yes. Study: VKGL Data-share Consensus. Not counted in ClinVar's aggregate classification.

Clinical Genetics, Academic Medical Center
Classification: Uncertain significance. Review status: no assertion criteria provided. Collection method: clinical testing. Allele origin: germline. Affected: yes. Study: VKGL Data-share Consensus. Not counted in ClinVar's aggregate classification.

NM_001379270.1(CNGA1):c.1939A>G (p.Met647Val)

Genes: CNGA1 (cyclic nucleotide gated channel subunit alpha 1; minus strand), LOC101927157 (uncharacterized LOC101927157; plus strand). Cytogenetic location: 4p12.
Variant type: single nucleotide variant.
Coding change: c.1939A>G on transcript NM_001379270.1 (MANE Select); coding-DNA position 1939, A replaced by G.
Protein change: p.Met647Val; replaces methionine 647 with valine.
Molecular consequence: missense variant.
Genome position (GRCh38, 1-based): chr4:47,936,543, T>C on the plus strand (A>G on the coding strand, the complement: CNGA1 is on the minus strand). VCF-style: chr4-47936543-T-C. GRCh37 (hg19) VCF-style: chr4-47938560-T-C.
Other names: c.1951A>G (NM_000087.3); c.1939A>G, p.Met647Val (NM_000087.5, NM_001142564.2); short protein forms M647V.
Identifiers: ClinVar variation 1299916 (VCV001299916.12), dbSNP rs549705696, ClinGen allele CA2910988.